The following is an entry in ClinVar:

ClinVar aggregate classification (germline): Likely benign (1 of 4 stars; one submission).

Allele frequency attached by ClinVar (database versions not stated): TOPMed below 0.00001; gnomAD 0.00001; gnomAD exomes 0.00001; ExAC 0.00007; 1000 Genomes Project 30x 0.00016; 1000 Genomes Project 0.00020.
gnomAD v4.1: 20 of 1,612,676 alleles (0.0012%); highest among the groups gnomAD compares: Middle Eastern, 0.017%; 1 homozygote.

Submission:

CeGaT Center for Human Genetics Tuebingen
Classification: Likely benign. Last evaluated: 2024-02-01. Review status: criteria provided, single submitter. Criteria: CeGaT Center For Human Genetics Tuebingen Variant Classification Criteria Version 2. Collection method: clinical testing. Allele origin: germline. Affected: yes. Observed: 1 variant allele.
Comment: TRIO: BP4, BP7

NM_007118.4(TRIO):c.3420C>T (p.Tyr1140=)

Gene: TRIO (trio Rho guanine nucleotide exchange factor; plus strand). Cytogenetic location: 5p15.2.
Variant type: single nucleotide variant.
Coding change: c.3420C>T on transcript NM_007118.4 (MANE Select); coding-DNA position 3420, C replaced by T.
Protein change: p.Tyr1140=; no amino-acid change (tyrosine 1140 retained).
Molecular consequence: synonymous variant. On other transcripts: non-coding transcript variant (1).
Genome position (GRCh38, 1-based): chr5:14,378,100, C>T. VCF-style: chr5-14378100-C-T. GRCh37 (hg19) VCF-style: chr5-14378209-C-T.
Identifiers: ClinVar variation 3025828 (VCV003025828.22), dbSNP rs200856978, ClinGen allele CA3206170.